The following is an entry in ClinVar:

NM_004947.5(DOCK3):c.61G>C (p.Val21Leu)

Gene: DOCK3 (dedicator of cytokinesis 3; plus strand). Cytogenetic location: 3p21.2.
Variant type: single nucleotide variant.
Coding change: c.61G>C on transcript NM_004947.5 (MANE Select); coding-DNA position 61, G replaced by C.
Protein change: p.Val21Leu; replaces valine 21 with leucine.
Molecular consequence: missense variant.
Genome position (GRCh38, 1-based): chr3:50,778,698, G>C. VCF-style: chr3-50778698-G-C. GRCh37 (hg19) VCF-style: chr3-50816129-G-C.
Other names: short protein forms V21L.
Identifiers: ClinVar variation 5035551 (VCV005035551.1).

ClinVar aggregate classification (germline): Uncertain significance (1 of 4 stars; one submission).

Conditions:
Inborn genetic diseases. Identifiers: MedGen C0950123, MeSH D030342.

gnomAD v4.1: 101 of 1,588,322 alleles (0.0064%); highest among the groups gnomAD compares: Non-Finnish European, 0.0077%; no homozygotes.

Submission:

Ambry Genetics
Classification: Uncertain significance for Inborn genetic diseases. Last evaluated: 2026-06-23. Review status: criteria provided, single submitter. Criteria: Ambry Variant Classification Scheme 2023. Collection method: clinical testing. Allele origin: germline.
Comment: The c.61G>C (p.V21L) alteration is located in exon 2 (coding exon 2) of the DOCK3 gene. This alteration results from a G to C substitution at nucleotide position 61, causing the valine (V) at amino acid position 21 to be replaced by a leucine (L). Based on data from gnomAD, the C allele has an overall frequency of 0.003% (8/244264) total alleles studied. The highest observed frequency was 0.007% (8/108690) of European (non-Finnish) alleles. Based on insufficient or conflicting evidence, the clinical significance of this alteration remains unclear.